The following is an entry in ClinVar:

NM_001366145.2(TRPM3):c.3215A>G (p.Gln1072Arg)

Gene: TRPM3 (transient receptor potential cation channel subfamily M member 3; minus strand). Cytogenetic location: 9q21.12.
Variant type: single nucleotide variant.
Coding change: c.3215A>G on transcript NM_001366145.2 (MANE Select); coding-DNA position 3215, A replaced by G.
Protein change: p.Gln1072Arg; replaces glutamine 1072 with arginine.
Molecular consequence: missense variant.
Genome position (GRCh38, 1-based): chr9:70,591,039, T>C on the plus strand (A>G on the coding strand, the complement: TRPM3 is on the minus strand). VCF-style: chr9-70591039-T-C. GRCh37 (hg19) VCF-style: chr9-73205955-T-C.
Other names: c.3179A>G, p.Gln1060Arg (NM_001007471.4, NM_001366151.2); c.3185A>G, p.Gln1062Arg (NM_001366141.2, NM_001366143.2, NM_001366149.2); c.3221A>G, p.Gln1074Arg (NM_001366142.2); c.3215A>G, p.Gln1072Arg (NM_001366146.2); c.3290A>G, p.Gln1097Arg (NM_001366147.2, NM_001366152.2); c.3260A>G, p.Gln1087Arg (NM_001366148.2); c.3149A>G, p.Gln1050Arg (NM_001366150.2); c.2756A>G, p.Gln919Arg (NM_001366154.2, NM_024971.7); and 5 more; short protein forms Q1050R, Q1060R, Q1062R, Q1072R, Q1074R, Q1087R, Q1097R, Q897R.
Identifiers: ClinVar variation 4071696 (VCV004071696.1).

ClinVar aggregate classification (germline): Uncertain significance (1 of 4 stars; one submission).

gnomAD v4.1: 1 of 1,614,212 alleles (0.000062%); highest among the groups gnomAD compares: Non-Finnish European, 0.000085%; no homozygotes.

Submission:

GeneDx
Classification: Uncertain significance. Last evaluated: 2025-01-22. Review status: criteria provided, single submitter. Criteria: GeneDx Variant Classification Process June 2021. Collection method: clinical testing. Allele origin: germline. Affected: yes.
Comment: Not observed at significant frequency in large population cohorts (gnomAD); In silico analysis indicates that this missense variant does not alter protein structure/function; Has not been previously published as pathogenic or benign to our knowledge